The following is an entry in ClinVar:

ClinVar aggregate classification (germline): Uncertain significance (1 of 4 stars; one submission).

gnomAD v4.1: 12 of 1,614,074 alleles (0.00074%); highest among the groups gnomAD compares: African/African-American, 0.016%; no homozygotes.

Submission:

Labcorp Genetics (formerly Invitae), Labcorp
Classification: Uncertain significance. Last evaluated: 2024-10-30. Review status: criteria provided, single submitter. Criteria: Invitae Variant Classification Sherloc (09022015). Collection method: clinical testing. Allele origin: germline.
Comment: This sequence change replaces lysine, which is basic and polar, with glutamine, which is neutral and polar, at codon 244 of the ACOX2 protein (p.Lys244Gln). This variant is present in population databases (rs143399044, gnomAD 0.03%). This variant has not been reported in the literature in individuals affected with ACOX2-related conditions. Invitae Evidence Modeling of protein sequence and biophysical properties (such as structural, functional, and spatial information, amino acid conservation, physicochemical variation, residue mobility, and thermodynamic stability) indicates that this missense variant is expected to disrupt ACOX2 protein function with a positive predictive value of 80%. In summary, the available evidence is currently insufficient to determine the role of this variant in disease. Therefore, it has been classified as a Variant of Uncertain Significance.

NM_003500.4(ACOX2):c.730A>C (p.Lys244Gln)

Gene: ACOX2 (acyl-CoA oxidase 2; minus strand). Cytogenetic location: 3p14.3.
Variant type: single nucleotide variant.
Coding change: c.730A>C on transcript NM_003500.4 (MANE Select); coding-DNA position 730, A replaced by C.
Protein change: p.Lys244Gln; replaces lysine 244 with glutamine.
Molecular consequence: missense variant.
Genome position (GRCh38, 1-based): chr3:58,531,340, T>G on the plus strand (A>C on the coding strand, the complement: ACOX2 is on the minus strand). VCF-style: chr3-58531340-T-G. GRCh37 (hg19) VCF-style: chr3-58517067-T-G.
Other names: short protein forms K244Q.
Identifiers: ClinVar variation 3671575 (VCV003671575.2).